The following is an entry in ClinVar:

ClinVar aggregate classification (germline): Likely benign. Review status: criteria provided, single submitter (1 of 4 stars). 2 submissions from 2 submitters: Likely benign (1). 1 of the submissions does not count toward it. Last evaluated 2025-02-25.

Conditions:
Progressive microcephaly-seizures-cortical blindness-developmental delay syndrome. Also called: Seizures, cortical blindness, and microcephaly syndrome. Identifiers: Orphanet 477814, MedGen C5567650, MONDO:0014714, OMIM 616632.
Autosomal dominant nonsyndromic hearing loss 1. Also called: DEAFNESS, AUTOSOMAL DOMINANT 1, WITH OR WITHOUT THROMBOCYTOPENIA; KONIGSMARK SYNDROME. Identifiers: Orphanet 90635, MedGen C1852282, MONDO:0007424, OMIM 124900.
DIAPH1-related disorder. Also called: DIAPH1-related condition.

Allele frequency attached by ClinVar (database versions not stated): gnomAD 0.00003; TOPMed 0.00003.
gnomAD v4.1: 6 of 1,613,902 alleles (0.00037%); highest among the groups gnomAD compares: African/African-American, 0.0067%; no homozygotes.

Submissions (2):

Labcorp Genetics (formerly Invitae), Labcorp
Classification: Likely benign for Progressive microcephaly-seizures-cortical blindness-developmental delay syndrome; Autosomal dominant nonsyndromic hearing loss 1. Last evaluated: 2025-02-25. Review status: criteria provided, single submitter. Criteria: Invitae Variant Classification Sherloc (09022015). Collection method: clinical testing. Allele origin: germline.

PreventionGenetics, part of Exact Sciences
Classification: Likely benign for DIAPH1-related condition. Last evaluated: 2024-09-16. Review status: no assertion criteria provided. Collection method: clinical testing. Allele origin: germline. Not counted in ClinVar's aggregate classification.
Comment: This variant is classified as likely benign based on ACMG/AMP sequence variant interpretation guidelines (Richards et al. 2015 PMID: 25741868, with internal and published modifications).

NM_005219.5(DIAPH1):c.2808C>A (p.Arg936=)

Gene: DIAPH1 (diaphanous related formin 1; minus strand). Cytogenetic location: 5q31.3.
Variant type: single nucleotide variant.
Coding change: c.2808C>A on transcript NM_005219.5 (MANE Select); coding-DNA position 2808, C replaced by A.
Protein change: p.Arg936=; no amino-acid change (arginine 936 retained).
Molecular consequence: synonymous variant.
Genome position (GRCh38, 1-based): chr5:141,528,912, G>T on the plus strand (C>A on the coding strand, the complement: DIAPH1 is on the minus strand). VCF-style: chr5-141528912-G-T. GRCh37 (hg19) VCF-style: chr5-140908479-G-T.
Other names: c.2781C>A, p.Arg927= (NM_001079812.3); c.2808C>A, p.Arg936= (NM_001314007.2); c.2808C>A (NM_005219.4).
Identifiers: ClinVar variation 1957675 (VCV001957675.6), dbSNP rs753959779, ClinGen allele CA3478942.